The following is an entry in ClinVar:

ClinVar aggregate classification (germline): Uncertain significance. Review status: criteria provided, multiple submitters, no conflicts (2 of 4 stars). 4 submissions from 4 submitters: Uncertain significance (4). Last evaluated 2025-08-25.

Conditions:
Hennekam lymphangiectasia-lymphedema syndrome 2 (HKLLS2). Identifiers: Orphanet 2136, MedGen C4014939, MONDO:0014454, OMIM 616006.
Inborn genetic diseases. Identifiers: MedGen C0950123, MeSH D030342.

Allele frequency attached by ClinVar (database versions not stated): gnomAD exomes 0.00005; ExAC 0.00007; TOPMed 0.00010; gnomAD 0.00011; ESP Exome Variant Server 0.00023; 1000 Genomes Project 30x 0.00031; 1000 Genomes Project 0.00040.
gnomAD v4.1: 30 of 1,608,816 alleles (0.0019%); highest among the groups gnomAD compares: African/African-American, 0.04%; no homozygotes.

Submissions (4):

Ambry Genetics
Classification: Uncertain significance for Inborn genetic diseases. Last evaluated: 2025-08-25. Review status: criteria provided, single submitter. Criteria: Ambry Variant Classification Scheme 2023. Collection method: clinical testing. Allele origin: germline.

Clinical Genomics Laboratory, Washington University in St. Louis
Classification: Uncertain significance for Hennekam lymphangiectasia-lymphedema syndrome 2. Last evaluated: 2024-03-06. Review status: criteria provided, single submitter. Criteria: ACMG Guidelines, 2015. Collection method: clinical testing. Allele origin: germline.
Comment: A FAT4 c.7264A>T (p.Ser2422Cys) variant was identified at a heterozygous allelic fraction of 51%, a frequency which may be consistent with germline origin. This variant, to our knowledge, has not been reported in the medical literature but has been reported in the ClinVar database as a germline variant of uncertain significance by three submitters (ClinVar ID: 1308468). The FAT4 c.7264A>T (p.Ser2422Cys) variant is only observed on 30/1,608,816 alleles in the general population (gnomAD v.4.0.0), indicating it is not a common variant. Computational predictors are uncertain as to the impact of this variant on FAT4 function. Due to limited information, and based on ACMG/AMP guidelines for variant interpretation (Richards S et al., PMID: 25741868), the clinical significance of this variant is uncertain at this time.

Labcorp Genetics (formerly Invitae), Labcorp
Classification: Uncertain significance. Last evaluated: 2022-07-06. Review status: criteria provided, single submitter. Criteria: Invitae Variant Classification Sherloc (09022015). Collection method: clinical testing. Allele origin: germline.
Comment: This sequence change replaces serine, which is neutral and polar, with cysteine, which is neutral and slightly polar, at codon 2420 of the FAT4 protein (p.Ser2420Cys). This variant is present in population databases (rs139924242, gnomAD 0.05%). This variant has not been reported in the literature in individuals affected with FAT4-related conditions. ClinVar contains an entry for this variant (Variation ID: 1308468). Advanced modeling of protein sequence and biophysical properties (such as structural, functional, and spatial information, amino acid conservation, physicochemical variation, residue mobility, and thermodynamic stability) performed at Invitae indicates that this missense variant is not expected to disrupt FAT4 protein function. In summary, the available evidence is currently insufficient to determine the role of this variant in disease. Therefore, it has been classified as a Variant of Uncertain Significance.

GeneDx
Classification: Uncertain significance. Last evaluated: 2019-03-29. Review status: criteria provided, single submitter. Criteria: GeneDx Variant Classification Process June 2021. Collection method: clinical testing. Allele origin: germline. Affected: yes.
Comment: In silico analysis, which includes protein predictors and evolutionary conservation, supports a deleterious effect; Has not been previously published as pathogenic or benign to our knowledge

NM_001291303.3(FAT4):c.7264A>T (p.Ser2422Cys)

Gene: FAT4 (FAT atypical cadherin 4; plus strand). Cytogenetic location: 4q28.1.
Variant type: single nucleotide variant.
Coding change: c.7264A>T on transcript NM_001291303.3 (MANE Select); coding-DNA position 7264, A replaced by T.
Protein change: p.Ser2422Cys; replaces serine 2422 with cysteine.
Molecular consequence: missense variant.
Genome position (GRCh38, 1-based): chr4:125,446,357, A>T. VCF-style: chr4-125446357-A-T. GRCh37 (hg19) VCF-style: chr4-126367512-A-T.
Other names: c.7264A>T, p.Ser2422Cys (NM_001291285.3); c.7258A>T, p.Ser2420Cys (NM_024582.6); short protein forms S2420C, S2422C.
Identifiers: ClinVar variation 1308468 (VCV001308468.12), dbSNP rs139924242, ClinGen allele CA3073152.
Genomic context (GRCh38, chr4:125,446,357, plus strand): 5'-AGGATCATCGGTGGAAACTCTCAGTTCACGATCAACCCATCGACAGGACAAATCATCACC[A>T]GCGCATTGTTAGATAGGGAAACAAAAGATAATTATACTTTGGTAGTGGTCTGCAGTGATG-3'
Protein context (NP_001278232.1, residues 2412-2432): INPSTGQIIT[Ser2422Cys]ALLDRETKDN